The following is an entry in ClinVar:

NM_004380.3(CREBBP):c.5930T>A (p.Ile1977Asn)

Gene: CREBBP (CREB binding lysine acetyltransferase; minus strand). Cytogenetic location: 16p13.3.
Variant type: single nucleotide variant.
Coding change: c.5930T>A on transcript NM_004380.3 (MANE Select); coding-DNA position 5930, T replaced by A.
Protein change: p.Ile1977Asn; replaces isoleucine 1977 with asparagine.
Molecular consequence: missense variant.
Genome position (GRCh38, 1-based): chr16:3,729,117, A>T on the plus strand (T>A on the coding strand, the complement: CREBBP is on the minus strand). VCF-style: chr16-3729117-A-T. GRCh37 (hg19) VCF-style: chr16-3779118-A-T.
Other names: c.5816T>A, p.Ile1939Asn (NM_001079846.1); short protein forms I1939N, I1977N.
Identifiers: ClinVar variation 1285882 (VCV001285882.7), dbSNP rs754429038, ClinGen allele CA7869224.
Genomic context (GRCh38, chr16:3,729,117, plus strand): 5'-GGGGCCATCTGGCTCCCCGGGGTCCCCATGCCCGTGCGTCCTGGGGGCATGCTGTTGTTG[A>T]TGTTCACCCGGTACAGGTGCTGCTGCTGCTGGGCCTCACGCTCGATCTGCCGAGCCGCTT-3'
Protein context (NP_004371.2, residues 1967-1987): QQQQHLYRVN[Ile1977Asn]NNSMPPGRTG

ClinVar aggregate classification (germline): Conflicting classifications of pathogenicity. Review status: criteria provided, conflicting classifications (1 of 4 stars). 5 submissions from 5 submitters: Uncertain significance (1); Benign (2); Likely benign (1). 1 of the submissions does not count toward it. Last evaluated 2024-08-06.

Conditions:
Menke-Hennekam syndrome 1 (MKHK1). Identifiers: MedGen C5193034, MONDO:0020763, OMIM 618332.
Rubinstein-Taybi syndrome due to CREBBP mutations (RSTS1). Also called: RUBINSTEIN SYNDROME; Rubinstein-Taybi syndrome 1; BROAD THUMBS AND GREAT TOES, CHARACTERISTIC FACIES, AND IMPAIRED INTELLECTUAL DEVELOPMENT; CREBBP-Related Rubinstein-Taybi Syndrome; RUBINSTEIN-TAYBI SYNDROME 1, INCOMPLETE; BROAD THUMB-HALLUX SYNDROME. Identifiers: Orphanet 353277, Orphanet 783, MedGen C4551859, MONDO:0008393, OMIM 180849.
Rubinstein-Taybi syndrome (RSTS). Identifiers: Orphanet 783, MedGen C0035934, MONDO:0019188.
CREBBP-related disorder. Also called: CREBBP-related condition; CREBBP-related disorders.

Allele frequency attached by ClinVar (database versions not stated): gnomAD 0.00004; gnomAD exomes 0.00006; ExAC 0.00015.
gnomAD v4.1: 83 of 1,557,454 alleles (0.0053%); highest among the groups gnomAD compares: Non-Finnish European, 0.0041%; 1 homozygote.

Submissions (5):

Blueprint Genetics
Classification: Likely benign. Last evaluated: 2024-08-06. Review status: criteria provided, single submitter. Criteria: ACMG Guidelines, 2015. Collection method: clinical testing. Allele origin: germline.

Fulgent Genetics
Classification: Uncertain significance for Rubinstein-Taybi syndrome due to CREBBP mutations; Menke-Hennekam syndrome 1. Last evaluated: 2024-05-21. Review status: criteria provided, single submitter. Criteria: ACMG Guidelines, 2015. Collection method: clinical testing. Allele origin: germline.

Labcorp Genetics (formerly Invitae), Labcorp
Classification: Benign for Rubinstein-Taybi syndrome. Last evaluated: 2023-02-20. Review status: criteria provided, single submitter. Criteria: Invitae Variant Classification Sherloc (09022015). Collection method: clinical testing. Allele origin: germline.

GeneDx
Classification: Benign. Last evaluated: 2020-10-02. Review status: criteria provided, single submitter. Criteria: GeneDx Variant Classification Process June 2021. Collection method: clinical testing. Allele origin: germline. Affected: yes.
Comment: In silico analysis supports that this missense variant has a deleterious effect on protein structure/function; Has not been previously published as pathogenic or benign to our knowledge

PreventionGenetics, part of Exact Sciences
Classification: Likely benign for CREBBP-related condition. Last evaluated: 2022-07-07. Review status: no assertion criteria provided. Collection method: clinical testing. Allele origin: germline. Not counted in ClinVar's aggregate classification.
Comment: This variant is classified as likely benign based on ACMG/AMP sequence variant interpretation guidelines (Richards et al. 2015 PMID: 25741868, with internal and published modifications).